The following is an entry in ClinVar:

ClinVar aggregate classification (germline): Uncertain significance (1 of 4 stars; one submission).

Conditions:
Left ventricular noncompaction 1 (LVNC1). Also called: LEFT VENTRICULAR NONCOMPACTION 1 WITH OR WITHOUT CONGENITAL HEART DEFECTS. Identifiers: Orphanet 54260, MedGen C1858725, MONDO:0011403, OMIM 604169.

Allele frequency attached by ClinVar (database versions not stated): gnomAD exomes below 0.00001.
gnomAD v4.1: 4 of 1,613,686 alleles (0.00025%); highest among the groups gnomAD compares: Non-Finnish European, 0.00025%; no homozygotes.

Submission:

Labcorp Genetics (formerly Invitae), Labcorp
Classification: Uncertain significance for Left ventricular noncompaction 1. Last evaluated: 2024-12-16. Review status: criteria provided, single submitter. Criteria: Invitae Variant Classification Sherloc (09022015). Collection method: clinical testing. Allele origin: germline.
Comment: This sequence change replaces glycine, which is neutral and non-polar, with aspartic acid, which is acidic and polar, at codon 123 of the DTNA protein (p.Gly123Asp). This variant is not present in population databases (gnomAD no frequency). This variant has not been reported in the literature in individuals affected with DTNA-related conditions. ClinVar contains an entry for this variant (Variation ID: 1402553). Invitae Evidence Modeling of protein sequence and biophysical properties (such as structural, functional, and spatial information, amino acid conservation, physicochemical variation, residue mobility, and thermodynamic stability) indicates that this missense variant is not expected to disrupt DTNA protein function with a negative predictive value of 80%. In summary, the available evidence is currently insufficient to determine the role of this variant in disease. Therefore, it has been classified as a Variant of Uncertain Significance.

NM_001386795.1(DTNA):c.368G>A (p.Gly123Asp)

Gene: DTNA (dystrobrevin alpha; plus strand). Cytogenetic location: 18q12.1.
Variant type: single nucleotide variant.
Coding change: c.368G>A on transcript NM_001386795.1 (MANE Select); coding-DNA position 368, G replaced by A.
Protein change: p.Gly123Asp; replaces glycine 123 with aspartic acid.
Molecular consequence: missense variant.
Genome position (GRCh38, 1-based): chr18:34,806,224, G>A. VCF-style: chr18-34806224-G-A. GRCh37 (hg19) VCF-style: chr18-32386188-G-A.
Other names: c.368G>A, p.Gly123Asp (NM_001128175.2, NM_001198938.2, NM_001198939.2 and 35 more transcripts); short protein forms G123D.
Identifiers: ClinVar variation 1402553 (VCV001402553.6), dbSNP rs1435037181, ClinGen allele CA402275235.